The following is an entry in ClinVar:

ClinVar aggregate classification (germline): Uncertain significance. Review status: criteria provided, multiple submitters, no conflicts (2 of 4 stars). 2 submissions from 2 submitters: Uncertain significance (2). Last evaluated 2025-05-01.

Conditions:
Glucocorticoid resistance. Also called: Glucocorticoid resistance, generalized; Gccr deficiency; Glucocorticoid receptor deficiency; Cortisol resistance from glucocorticoid receptor defect; Gcr deficiency. Identifiers: Orphanet 786, MedGen C1841972, MONDO:0014421, OMIM 615962.

gnomAD v4.1: 11 of 1,614,092 alleles (0.00068%); highest among the groups gnomAD compares: African/African-American, 0.012%; no homozygotes.

Submissions (2):

Labcorp Genetics (formerly Invitae), Labcorp
Classification: Uncertain significance. Last evaluated: 2025-05-01. Review status: criteria provided, single submitter. Criteria: Invitae Variant Classification Sherloc (09022015). Collection method: clinical testing. Allele origin: germline.
Comment: This sequence change replaces tyrosine, which is neutral and polar, with cysteine, which is neutral and slightly polar, at codon 30 of the NR3C1 protein (p.Tyr30Cys). This variant is present in population databases (rs755833578, gnomAD 0.01%). This variant has not been reported in the literature in individuals affected with NR3C1-related conditions. ClinVar contains an entry for this variant (Variation ID: 3591859). An algorithm developed to predict the effect of missense changes on protein structure and function outputs the following: PolyPhen-2: "Benign". The cysteine amino acid residue is found in multiple mammalian species, which suggests that this missense change does not adversely affect protein function. In summary, the available evidence is currently insufficient to determine the role of this variant in disease. Therefore, it has been classified as a Variant of Uncertain Significance.

Fulgent Genetics
Classification: Uncertain significance for Glucocorticoid resistance. Last evaluated: 2024-04-18. Review status: criteria provided, single submitter. Criteria: ACMG Guidelines, 2015. Collection method: clinical testing. Allele origin: germline.

NM_000176.3(NR3C1):c.89A>G (p.Tyr30Cys)

Gene: NR3C1 (nuclear receptor subfamily 3 group C member 1; minus strand). Cytogenetic location: 5q31.3.
Variant type: single nucleotide variant.
Coding change: c.89A>G on transcript NM_000176.3 (MANE Select); coding-DNA position 89, A replaced by G.
Protein change: p.Tyr30Cys; replaces tyrosine 30 with cysteine.
Molecular consequence: missense variant. On other transcripts: 5 prime UTR variant (6).
Genome position (GRCh38, 1-based): chr5:143,400,751, T>C on the plus strand (A>G on the coding strand, the complement: NR3C1 is on the minus strand). VCF-style: chr5-143400751-T-C. GRCh37 (hg19) VCF-style: chr5-142780316-T-C.
Other names: c.89A>G, p.Tyr30Cys (NM_001018074.1, NM_001018075.1, NM_001018076.2 and 10 more transcripts); c.11A>G, p.Tyr4Cys (NM_001204258.2); c.-167A>G (NM_001204259.2); c.-179A>G (NM_001204260.2); c.-203A>G (NM_001204261.2); c.-857A>G (NM_001204262.2); c.-902A>G (NM_001204263.2); c.-917A>G (NM_001204264.2); short protein forms Y30C, Y4C.
Identifiers: ClinVar variation 3591859 (VCV003591859.2).
Genomic context (GRCh38, chr5:143,400,751, plus strand): 5'-ACAGCCAGTGAGGGTGAAGACGCAGAAACCTTCACAGTAGCTCCTCCTCTTAGGGTTTTA[T>C]AGAAGTCCATCACATCTCCCCTCTCCTGAGCAAGCACACTGCTGGGGTTTTCTTCTCTAC-3'
Protein context (NP_000167.1, residues 20-40): AQERGDVMDF[Tyr30Cys]KTLRGGATVK